The following is an entry in ClinVar:

ClinVar aggregate classification (germline): Uncertain significance (1 of 4 stars; one submission).

Conditions:
Adams-Oliver syndrome 5 (AOS5). Identifiers: Orphanet 974, MedGen C4014970, MONDO:0014459, OMIM 616028.

Submission:

Labcorp Genetics (formerly Invitae), Labcorp
Classification: Uncertain significance for Adams-Oliver syndrome 5. Last evaluated: 2023-07-07. Review status: criteria provided, single submitter. Criteria: Invitae Variant Classification Sherloc (09022015). Collection method: clinical testing. Allele origin: germline.
Comment: This variant has not been reported in the literature in individuals affected with NOTCH1-related conditions. This variant is not present in population databases (gnomAD no frequency). This sequence change falls in intron 26 of the NOTCH1 gene. It does not directly change the encoded amino acid sequence of the NOTCH1 protein. It affects a nucleotide within the consensus splice site. Variants that disrupt the consensus splice site are a relatively common cause of aberrant splicing (PMID: 17576681, 9536098). Algorithms developed to predict the effect of sequence changes on RNA splicing suggest that this variant may create or strengthen a splice site. In summary, the available evidence is currently insufficient to determine the role of this variant in disease. Therefore, it has been classified as a Variant of Uncertain Significance.

Literature cited by the submitters: PubMed 17576681; PubMed 9536098.

NM_017617.5(NOTCH1):c.5018+6_5018+9del

Gene: NOTCH1 (notch receptor 1; minus strand). Cytogenetic location: 9q34.3.
Variant type: Microsatellite.
Coding change: c.5018+6_5018+9del on transcript NM_017617.5 (MANE Select); bases 6 to 9 of the intron after coding-DNA position 5018, 4 bases deleted (TGAG; older notation c.5018+6_5018+9delTGAG).
Molecular consequence: splice donor variant.
Genome position (GRCh38, 1-based): chr9:136,504,664-136,504,667, CTCA deleted on the plus strand (TGAG on the coding strand, the reverse complement: NOTCH1 is on the minus strand); deleting any 4 consecutive bases within chr9:136,504,664-136,504,672 gives the same sequence; the c. name uses the placement nearest the transcript's 3' end. VCF-style (leftmost placement, unchanged base first): chr9-136504663-TCTCA-T. GRCh37 (hg19) VCF-style: chr9-139399115-TCTCA-T.
Identifiers: ClinVar variation 2736814 (VCV002736814.3), dbSNP rs2540434610, ClinGen allele CA2692634049.